The following is an entry in ClinVar:

ClinVar aggregate classification (germline): Uncertain significance (1 of 4 stars; one submission).

Submission:

Ambry Genetics
Classification: Uncertain significance. Last evaluated: 2026-03-03. Review status: criteria provided, single submitter. Criteria: Ambry Variant Classification Scheme 2023. Collection method: clinical testing. Allele origin: germline.
Comment: The p.S40R variant (also known as c.120C>A), located in coding exon 2 of the GFI1 gene, results from a C to A substitution at nucleotide position 120. The serine at codon 40 is replaced by arginine, an amino acid with dissimilar properties. This amino acid position is conserved. In addition, this alteration is predicted to be tolerated by in silico analysis. Based on the available evidence, the clinical significance of this variant remains unclear.

NM_005263.5(GFI1):c.120C>A (p.Ser40Arg)

Gene: GFI1 (growth factor independent 1 transcriptional repressor; minus strand). Cytogenetic location: 1p22.1.
Variant type: single nucleotide variant.
Coding change: c.120C>A on transcript NM_005263.5 (MANE Select); coding-DNA position 120, C replaced by A.
Protein change: p.Ser40Arg; replaces serine 40 with arginine.
Molecular consequence: missense variant.
Genome position (GRCh38, 1-based): chr1:92,483,042, G>T on the plus strand (C>A on the coding strand, the complement: GFI1 is on the minus strand). VCF-style: chr1-92483042-G-T. GRCh37 (hg19) VCF-style: chr1-92948599-G-T.
Other names: c.120C>A, p.Ser40Arg (NM_001127215.3, NM_001127216.3); short protein forms S40R.
Identifiers: ClinVar variation 4827131 (VCV004827131.1).